The following is an entry in ClinVar:

ClinVar aggregate classification (germline): Uncertain significance (1 of 4 stars; one submission).

Submission:

GeneDx
Classification: Uncertain significance. Last evaluated: 2025-06-11. Review status: criteria provided, single submitter. Criteria: GeneDx Variant Classification Process June 2021. Collection method: clinical testing. Allele origin: germline. Affected: yes.
Comment: Not observed at significant frequency in large population cohorts (gnomAD); In silico analysis supports that this missense variant has a deleterious effect on protein structure/function; Has not been previously published as pathogenic or benign to our knowledge

NM_001330700.2(TOP2B):c.1201A>G (p.Asn401Asp)

Gene: TOP2B (DNA topoisomerase II beta; minus strand). Cytogenetic location: 3p24.2.
Variant type: single nucleotide variant.
Coding change: c.1201A>G on transcript NM_001330700.2 (MANE Select); coding-DNA position 1201, A replaced by G.
Protein change: p.Asn401Asp; replaces asparagine 401 with aspartic acid.
Molecular consequence: missense variant.
Genome position (GRCh38, 1-based): chr3:25,632,511, T>C on the plus strand (A>G on the coding strand, the complement: TOP2B is on the minus strand). VCF-style: chr3-25632511-T-C. GRCh37 (hg19) VCF-style: chr3-25674002-T-C.
Other names: c.1186A>G, p.Asn396Asp (NM_001068.3); short protein forms N396D, N401D.
Identifiers: ClinVar variation 4538653 (VCV004538653.1).
Genomic context (GRCh38, chr3:25,632,511, plus strand): 5'-TAAAAAATTTTTCTGACAGCTGGCATTTAGACCCAAAACTTTTGGGCTGCAGAGTCATGT[T>C]TTCCTTAGTCTGAGAATCAAAAGTTGGATTTTCAATAAGGCAATTAATAAAAACCCATAT-3'
Protein context (NP_001317629.1, residues 391-411): NPTFDSQTKE[Asn401Asp]MTLQPKSFGS